The following is an entry in ClinVar:

ClinVar aggregate classification (germline): Uncertain significance (1 of 4 stars; one submission).

Conditions:
EGFR-related lung cancer (EGFR). Identifiers: MedGen CN130014.

Submission:

Labcorp Genetics (formerly Invitae), Labcorp
Classification: Uncertain significance for EGFR-related lung cancer. Last evaluated: 2024-01-16. Review status: criteria provided, single submitter. Criteria: Invitae Variant Classification Sherloc (09022015). Collection method: clinical testing. Allele origin: germline.
Comment: This sequence change replaces glutamic acid, which is acidic and polar, with aspartic acid, which is acidic and polar, at codon 736 of the EGFR protein (p.Glu736Asp). This variant is not present in population databases (gnomAD no frequency). This variant has not been reported in the literature in individuals affected with EGFR-related conditions. Advanced modeling of protein sequence and biophysical properties (such as structural, functional, and spatial information, amino acid conservation, physicochemical variation, residue mobility, and thermodynamic stability) performed at Invitae indicates that this missense variant is not expected to disrupt EGFR protein function with a negative predictive value of 80%. In summary, the available evidence is currently insufficient to determine the role of this variant in disease. Therefore, it has been classified as a Variant of Uncertain Significance.

NM_005228.5(EGFR):c.2208G>C (p.Glu736Asp)

Gene: EGFR (epidermal growth factor receptor; plus strand). Cytogenetic location: 7p11.2.
Variant type: single nucleotide variant.
Coding change: c.2208G>C on transcript NM_005228.5 (MANE Select); coding-DNA position 2208, G replaced by C.
Protein change: p.Glu736Asp; replaces glutamic acid 736 with aspartic acid.
Molecular consequence: missense variant.
Genome position (GRCh38, 1-based): chr7:55,174,745, G>C. VCF-style: chr7-55174745-G-C. GRCh37 (hg19) VCF-style: chr7-55242438-G-C.
Other names: c.2073G>C, p.Glu691Asp (NM_001346897.2, NM_001346899.2); c.2208G>C, p.Glu736Asp (NM_001346898.2); c.2049G>C, p.Glu683Asp (NM_001346900.2); c.1407G>C, p.Glu469Asp (NM_001346941.2); short protein forms E691D, E736D, E469D, E683D.
Identifiers: ClinVar variation 2709543 (VCV002709543.3), dbSNP rs2128954616, ClinGen allele CA367584033.